The following is an entry in ClinVar:

NM_006063.3(KLHL41):c.146T>C (p.Leu49Ser)

Gene: KLHL41 (kelch like family member 41; plus strand). Cytogenetic location: 2q31.1.
Variant type: single nucleotide variant.
Coding change: c.146T>C on transcript NM_006063.3 (MANE Select); coding-DNA position 146, T replaced by C.
Protein change: p.Leu49Ser; replaces leucine 49 with serine.
Molecular consequence: missense variant.
Genome position (GRCh38, 1-based): chr2:169,509,924, T>C. VCF-style: chr2-169509924-T-C. GRCh37 (hg19) VCF-style: chr2-170366434-T-C.
Other names: short protein forms L49S.
Identifiers: ClinVar variation 859683 (VCV000859683.9), dbSNP rs1684003271, ClinGen allele CA349173168.

ClinVar aggregate classification (germline): Uncertain significance (1 of 4 stars; one submission).

Conditions:
Nemaline myopathy 9 (NEM9). Identifiers: MedGen C3810384, MONDO:0014326, OMIM 615731.

gnomAD v4.1: 8 of 1,614,182 alleles (0.0005%); highest among the groups gnomAD compares: Non-Finnish European, 0.00068%; no homozygotes.

Submission:

Labcorp Genetics (formerly Invitae), Labcorp
Classification: Uncertain significance for Nemaline myopathy 9. Last evaluated: 2019-02-13. Review status: criteria provided, single submitter. Criteria: Invitae Variant Classification Sherloc (09022015). Collection method: clinical testing. Allele origin: germline.
Comment: In summary, the available evidence is currently insufficient to determine the role of this variant in disease. Therefore, it has been classified as a Variant of Uncertain Significance. Algorithms developed to predict the effect of missense changes on protein structure and function (SIFT, PolyPhen-2, Align-GVGD) all suggest that this variant is likely to be disruptive, but these predictions have not been confirmed by published functional studies and their clinical significance is uncertain. This variant has not been reported in the literature in individuals with KLHL41-related conditions. This variant is not present in population databases (ExAC no frequency). This sequence change replaces leucine with serine at codon 49 of the KLHL41 protein (p.Leu49Ser). The leucine residue is highly conserved and there is a large physicochemical difference between leucine and serine.